The following is an entry in ClinVar:

NM_000815.5(GABRD):c.596G>A (p.Ser199Asn)

Gene: GABRD (gamma-aminobutyric acid type A receptor subunit delta; plus strand). Cytogenetic location: 1p36.33.
Variant type: single nucleotide variant.
Coding change: c.596G>A on transcript NM_000815.5 (MANE Select); coding-DNA position 596, G replaced by A.
Protein change: p.Ser199Asn; replaces serine 199 with asparagine.
Molecular consequence: missense variant.
Genome position (GRCh38, 1-based): chr1:2,028,197, G>A. VCF-style: chr1-2028197-G-A. GRCh37 (hg19) VCF-style: chr1-1959636-G-A.
Other names: short protein forms S199N.
Identifiers: ClinVar variation 447368 (VCV000447368.11), dbSNP rs779793371, ClinGen allele CA534725.

ClinVar aggregate classification (germline): Conflicting classifications of pathogenicity. Review status: criteria provided, conflicting classifications (1 of 4 stars). 4 submissions from 4 submitters: Uncertain significance (2); Likely benign (2). Last evaluated 2025-10-13.

Conditions:
GABRD-related disorder. Also called: GABRD-related condition.
Idiopathic generalized epilepsy. Also called: EIG; Generalised epilepsy. Identifiers: MedGen C0270850, MONDO:0005579, OMIM 600669.

Allele frequency attached by ClinVar (database versions not stated): gnomAD 0.00001; TOPMed 0.00005; gnomAD exomes 0.00006 and 0.00010; ExAC 0.00008.
gnomAD v4.1: 34 of 1,612,428 alleles (0.0021%); highest among the groups gnomAD compares: Admixed American, 0.055%; no homozygotes.

Submissions (4):

Women's Health and Genetics/Laboratory Corporation of America, LabCorp
Classification: Uncertain significance. Last evaluated: 2025-10-13. Review status: criteria provided, single submitter. Criteria: LabCorp Variant Classification Summary - May 2015. Collection method: clinical testing. Allele origin: germline.
Comment: Variant summary: GABRD c.596G>A (p.Ser199Asn) results in a conservative amino acid change in the encoded protein sequence. Algorithms developed to predict the effect of missense changes on protein structure and function all suggest that this variant is likely to be tolerated. The variant allele was found at a frequency of 0.0001 in 249396 control chromosomes. This frequency is not significantly higher than estimated for disease-causing variants in GABRD, allowing no conclusion about variant significance. To our knowledge, no occurrence of c.596G>A in individuals affected with GABRD-related conditions and no experimental evidence demonstrating its impact on protein function have been reported. ClinVar contains an entry for this variant (Variation ID: 447368). Based on the evidence outlined above, the variant was classified as uncertain significance.

Labcorp Genetics (formerly Invitae), Labcorp
Classification: Likely benign for Idiopathic generalized epilepsy. Last evaluated: 2025-09-09. Review status: criteria provided, single submitter. Criteria: Invitae Variant Classification Sherloc (09022015). Collection method: clinical testing. Allele origin: germline.

PreventionGenetics, part of Exact Sciences
Classification: Likely benign for GABRD-related condition. Last evaluated: 2025-04-19. Review status: criteria provided, single submitter. Criteria: ACMG Guidelines, 2015. Collection method: clinical testing. Allele origin: germline.
Comment: This variant is classified as likely benign based on ACMG/AMP sequence variant interpretation guidelines (Richards et al. 2015 PMID: 25741868, with internal and published modifications).

Athena Diagnostics
Classification: Uncertain significance. Last evaluated: 2016-12-20. Review status: criteria provided, single submitter. Criteria: Athena Diagnostics Criteria. Collection method: clinical testing. Allele origin: germline.